The following is an entry in ClinVar:

ClinVar aggregate classification (germline): Conflicting classifications of pathogenicity. Review status: criteria provided, conflicting classifications (1 of 4 stars). 4 submissions from 4 submitters: Uncertain significance (3); Likely benign (1). Last evaluated 2025-10-07.

Conditions:
ADGRV1-related disorder. Also called: ADGRV1-related disorders; ADGRV1-related condition.

Allele frequency attached by ClinVar (database versions not stated): gnomAD 0.00001; TOPMed 0.00001; ExAC 0.00002; gnomAD exomes 0.00002.
gnomAD v4.1: 32 of 1,535,466 alleles (0.0021%); highest among the groups gnomAD compares: Non-Finnish European, 0.0028%; no homozygotes.

Submissions (4):

Labcorp Genetics (formerly Invitae), Labcorp
Classification: Likely benign. Last evaluated: 2025-10-07. Review status: criteria provided, single submitter. Criteria: Invitae Variant Classification Sherloc (09022015). Collection method: clinical testing. Allele origin: germline.

PreventionGenetics, part of Exact Sciences
Classification: Uncertain significance for ADGRV1-related condition. Last evaluated: 2025-04-12. Review status: criteria provided, single submitter. Criteria: ACMG Guidelines, 2015. Collection method: clinical testing. Allele origin: germline.
Comment: The ADGRV1 c.690A>C variant is predicted to result in the amino acid substitution p.Glu230Asp. To our knowledge, this variant has not been reported in the literature. This variant is present in 0.0046% of alleles in individuals of European (Non-Finnish) descent in gnomAD. At this time, the clinical significance of this variant is uncertain due to the absence of conclusive functional and genetic evidence.

ARUP Laboratories, Molecular Genetics and Genomics, ARUP Laboratories
Classification: Uncertain significance. Last evaluated: 2023-08-25. Review status: criteria provided, single submitter. Criteria: ARUP Molecular Germline Variant Investigation Process 2024. Collection method: clinical testing. Allele origin: germline.

Laboratory for Molecular Medicine, Mass General Brigham Personalized Medicine
Classification: Uncertain significance. Last evaluated: 2022-06-10. Review status: criteria provided, single submitter. Criteria: ACMG Guidelines, 2015. Collection method: clinical testing. Allele origin: germline.
Comment: The p.Glu230Asp variant in ADGRV1 has not been previously reported in individuals with hearing loss but has been identified in 0.0045% (4/87114) of European chromosomes by gnomAD. Computational prediction tools and conservation analyses suggest that this variant may impact the protein, though this information is not predictive enough to determine pathogenicity. In summary, the clinical significance of this variant is uncertain. ACMG/AMP Criteria applied: PM2_P, PP3.

NM_032119.4(ADGRV1):c.690A>C (p.Glu230Asp)

Gene: ADGRV1 (adhesion G protein-coupled receptor V1; plus strand). Cytogenetic location: 5q14.3.
Variant type: single nucleotide variant.
Coding change: c.690A>C on transcript NM_032119.4 (MANE Select); coding-DNA position 690, A replaced by C.
Protein change: p.Glu230Asp; replaces glutamic acid 230 with aspartic acid.
Molecular consequence: missense variant. On other transcripts: non-coding transcript variant (1).
Genome position (GRCh38, 1-based): chr5:90,627,228, A>C. VCF-style: chr5-90627228-A-C. GRCh37 (hg19) VCF-style: chr5-89923045-A-C.
Other names: short protein forms E230D.
Identifiers: ClinVar variation 46357 (VCV000046357.9), dbSNP rs397517434, ClinGen allele CA138185.
Genomic context (GRCh38, chr5:90,627,228, plus strand): 5'-TTTGGCTGTTGATGTTTTGCCTCTGTTTATATTCCTTTAACAGGTACCAGAAAATGATGA[A>C]ATATTTTTAATTCAACTGAAAAGTGTAGAAGGAGGAGCTGAGATTAACACCTCTAGGAAT-3'
Protein context (NP_115495.3, residues 220-240): VLDDEVPEND[Glu230Asp]IFLIQLKSVE